The following is an entry in ClinVar:

NM_001693.4(ATP6V1B2):c.1108G>A (p.Gly370Ser)

Gene: ATP6V1B2 (ATPase H+ transporting V1 subunit B2; plus strand). Cytogenetic location: 8p21.3.
Variant type: single nucleotide variant.
Coding change: c.1108G>A on transcript NM_001693.4 (MANE Select); coding-DNA position 1108, G replaced by A.
Protein change: p.Gly370Ser; replaces glycine 370 with serine.
Molecular consequence: missense variant.
Genome position (GRCh38, 1-based): chr8:20,216,442, G>A. VCF-style: chr8-20216442-G-A. GRCh37 (hg19) VCF-style: chr8-20073953-G-A.
Other names: short protein forms G370S.
Identifiers: ClinVar variation 4086196 (VCV004086196.1).
Genomic context (GRCh38, chr8:20,216,442, plus strand): 5'-ATGCTTAATGCCAACTGTCTTCCTCTGGTAGATATCACTCACCCCATCCCAGACTTGACT[G>A]GCTACATTACAGAGGGGCAGATCTATGTGGACAGACAGCTGCACAACAGACAGGTACTGG-3'
Protein context (NP_001684.2, residues 360-380): DITHPIPDLT[Gly370Ser]YITEGQIYVD

ClinVar aggregate classification (germline): Uncertain significance (1 of 4 stars; one submission).

Conditions:
Zimmermann-Laband syndrome 2 (ZLS2). Identifiers: Orphanet 3473, MedGen C4225321, MONDO:0014646, OMIM 616455.

Submission:

Neuberg Centre For Genomic Medicine, NCGM
Classification: Uncertain significance for Zimmermann-Laband syndrome 2. Review status: criteria provided, single submitter. Criteria: ACMG Guidelines, 2015. Collection method: clinical testing. Allele origin: germline. Inheritance: Autosomal dominant inheritance. Affected: yes.
Comment: A missense variant c.1120G>C p.(Glu374Gln) present in the nearby position has been reported in an individual with ZimmermannLaband syndrome in de novo state (Popp B, et al., 2017) suggesting that the detected variant might be clinically relevant due to its close proximity.